The following is an entry in ClinVar:

NM_080680.3(COL11A2):c.206G>A (p.Ser69Asn)

Gene: COL11A2 (collagen type XI alpha 2 chain; minus strand). Cytogenetic location: 6p21.32.
Variant type: single nucleotide variant.
Coding change: c.206G>A on transcript NM_080680.3 (MANE Select); coding-DNA position 206, G replaced by A.
Protein change: p.Ser69Asn; replaces serine 69 with asparagine.
Molecular consequence: missense variant.
Genome position (GRCh38, 1-based): chr6:33,189,346, C>T on the plus strand (G>A on the coding strand, the complement: COL11A2 is on the minus strand). VCF-style: chr6-33189346-C-T. GRCh37 (hg19) VCF-style: chr6-33157123-C-T.
Other names: c.206G>A, p.Ser69Asn (NM_001163771.2, NM_080679.3, NM_080681.3); short protein forms S69N.
Identifiers: ClinVar variation 1980332 (VCV001980332.1), dbSNP rs768281037, ClinGen allele CA363613096.
Genomic context (GRCh38, chr6:33,189,346, plus strand): 5'-TCCCCCCAGGCCTACCCCACCATGTCACCCATACCTGGGAAAAGCTGGCGAGTGGGTGCA[C>T]TGAGCTGGGCAGGTCGTGCCACTCGGTAGGCCACATCAGCTGGACAGATGCCTTTCGCTC-3'
Protein context (NP_542411.2, residues 59-79): AYRVARPAQL[Ser69Asn]APTRQLFPGG

ClinVar aggregate classification (germline): Uncertain significance (1 of 4 stars; one submission).

Allele frequency attached by ClinVar (database versions not stated): TOPMed below 0.00001; gnomAD 0.00001.
gnomAD v4.1: 1 of 1,613,480 alleles (0.000062%); highest among the groups gnomAD compares: Non-Finnish European, 0.000085%; no homozygotes.

Submission:

Labcorp Genetics (formerly Invitae), Labcorp
Classification: Uncertain significance. Last evaluated: 2022-07-30. Review status: criteria provided, single submitter. Criteria: Invitae Variant Classification Sherloc (09022015). Collection method: clinical testing. Allele origin: germline.
Comment: This sequence change replaces serine, which is neutral and polar, with asparagine, which is neutral and polar, at codon 69 of the COL11A2 protein (p.Ser69Asn). This variant is not present in population databases (gnomAD no frequency). This variant has not been reported in the literature in individuals affected with COL11A2-related conditions. Advanced modeling of protein sequence and biophysical properties (such as structural, functional, and spatial information, amino acid conservation, physicochemical variation, residue mobility, and thermodynamic stability) performed at Invitae indicates that this missense variant is not expected to disrupt COL11A2 protein function. In summary, the available evidence is currently insufficient to determine the role of this variant in disease. Therefore, it has been classified as a Variant of Uncertain Significance.